The following is an entry in ClinVar:

ClinVar aggregate classification (germline): Uncertain significance (1 of 4 stars; one submission).

Allele frequency attached by ClinVar (database versions not stated): TOPMed below 0.00001; gnomAD 0.00001.
gnomAD v4.1: 1 of 1,573,744 alleles (0.000064%); highest among the groups gnomAD compares: Non-Finnish European, 0.000087%; no homozygotes.

Submission:

Labcorp Genetics (formerly Invitae), Labcorp
Classification: Uncertain significance. Last evaluated: 2022-08-23. Review status: criteria provided, single submitter. Criteria: Invitae Variant Classification Sherloc (09022015). Collection method: clinical testing. Allele origin: germline.
Comment: In summary, the available evidence is currently insufficient to determine the role of this variant in disease. Therefore, it has been classified as a Variant of Uncertain Significance. Algorithms developed to predict the effect of missense changes on protein structure and function (SIFT, PolyPhen-2, Align-GVGD) all suggest that this variant is likely to be tolerated. This variant has not been reported in the literature in individuals affected with PIGB-related conditions. This variant is not present in population databases (gnomAD no frequency). This sequence change replaces lysine, which is basic and polar, with asparagine, which is neutral and polar, at codon 214 of the PIGB protein (p.Lys214Asn).

NM_004855.5(PIGB):c.642G>T (p.Lys214Asn)

Gene: PIGB (phosphatidylinositol glycan anchor biosynthesis class B; plus strand). Cytogenetic location: 15q21.3.
Variant type: single nucleotide variant.
Coding change: c.642G>T on transcript NM_004855.5 (MANE Select); coding-DNA position 642, G replaced by T.
Protein change: p.Lys214Asn; replaces lysine 214 with asparagine.
Molecular consequence: missense variant.
Genome position (GRCh38, 1-based): chr15:55,329,843, G>T. VCF-style: chr15-55329843-G-T. GRCh37 (hg19) VCF-style: chr15-55622041-G-T.
Other names: short protein forms K214N.
Identifiers: ClinVar variation 2109261 (VCV002109261.4), dbSNP rs778844570, ClinGen allele CA392542274.
Genomic context (GRCh38, chr15:55,329,843, plus strand): 5'-CACCATGGAAACTGTTCTCACTATAATTGCTCTTTTCTACTATCCTTTGGAAGGTTCAAA[G>T]TCTATGAACAGGTAAGAAAAATTATTGTTAATAATTATGTTCAAAATTCTACTTTTGAAA-3'
Protein context (NP_004846.4, residues 204-224): ALFYYPLEGS[Lys214Asn]SMNSVKYSSL